The following is an entry in ClinVar:

NM_002010.3(FGF9):c.104A>G (p.Asp35Gly)

Gene: FGF9 (fibroblast growth factor 9; plus strand). Cytogenetic location: 13q12.11.
Variant type: single nucleotide variant.
Coding change: c.104A>G on transcript NM_002010.3 (MANE Select); coding-DNA position 104, A replaced by G.
Protein change: p.Asp35Gly; replaces aspartic acid 35 with glycine.
Molecular consequence: missense variant.
Genome position (GRCh38, 1-based): chr13:21,672,016, A>G. VCF-style: chr13-21672016-A-G. GRCh37 (hg19) VCF-style: chr13-22246155-A-G.
Other names: c.104A>G (NM_002010.2); short protein forms D35G.
Identifiers: ClinVar variation 2702341 (VCV002702341.4), dbSNP rs1373965286, ClinGen allele CA387673938.

ClinVar aggregate classification (germline): Uncertain significance. Review status: criteria provided, multiple submitters, no conflicts (2 of 4 stars). 2 submissions from 2 submitters: Uncertain significance (2). Last evaluated 2024-11-24.

Conditions:
Inborn genetic diseases. Identifiers: MedGen C0950123, MeSH D030342.

Allele frequency attached by ClinVar (database versions not stated): TOPMed below 0.00001; gnomAD exomes 0.00001.
gnomAD v4.1: 11 of 1,614,114 alleles (0.00068%); highest among the groups gnomAD compares: African/African-American, 0.0013%; no homozygotes.

Submissions (2):

Ambry Genetics
Classification: Uncertain significance for Inborn genetic diseases. Last evaluated: 2024-11-24. Review status: criteria provided, single submitter. Criteria: Ambry Variant Classification Scheme 2023. Collection method: clinical testing. Allele origin: germline.

Labcorp Genetics (formerly Invitae), Labcorp
Classification: Uncertain significance. Last evaluated: 2024-04-09. Review status: criteria provided, single submitter. Criteria: Invitae Variant Classification Sherloc (09022015). Collection method: clinical testing. Allele origin: germline.
Comment: This sequence change replaces aspartic acid, which is acidic and polar, with glycine, which is neutral and non-polar, at codon 35 of the FGF9 protein (p.Asp35Gly). This variant is present in population databases (no rsID available, gnomAD 0.0009%). This variant has not been reported in the literature in individuals affected with FGF9-related conditions. An algorithm developed to predict the effect of missense changes on protein structure and function (PolyPhen-2) suggests that this variant is likely to be tolerated. In summary, the available evidence is currently insufficient to determine the role of this variant in disease. Therefore, it has been classified as a Variant of Uncertain Significance.